The following is an entry in ClinVar:

ClinVar aggregate classification (germline): Benign. Review status: criteria provided, multiple submitters, no conflicts (2 of 4 stars). 2 submissions from 2 submitters: Benign (2). Last evaluated 2020-02-18.

Allele frequency attached by ClinVar (database versions not stated): gnomAD 0.29117 and 0.29367; gnomAD exomes 0.29291 and 0.29381; TOPMed 0.29600; ExAC 0.29651; ESP Exome Variant Server 0.29855; 1000 Genomes Project 30x 0.32495; 1000 Genomes Project 0.32907.

Submissions (2):

GeneDx
Classification: Benign. Last evaluated: 2020-02-18. Review status: criteria provided, single submitter. Criteria: GeneDx Variant Classification Process June 2021. Collection method: clinical testing. Allele origin: germline. Affected: yes.
Comment: This variant is associated with the following publications: (PMID: 31413141)

Breakthrough Genomics
Classification: Benign. Review status: criteria provided, single submitter. Criteria: ACMG Guidelines, 2015. Collection method: not provided. Allele origin: germline. Inheritance: Unknown mechanism. Affected: yes.

NM_148975.3(MS4A4A):c.532A>G (p.Met178Val)

Gene: MS4A4A (membrane spanning 4-domains A4A; plus strand). Cytogenetic location: 11q12.2.
Variant type: single nucleotide variant.
Coding change: c.532A>G on transcript NM_148975.3 (MANE Select); coding-DNA position 532, A replaced by G.
Protein change: p.Met178Val; replaces methionine 178 with valine.
Molecular consequence: missense variant. On other transcripts: intron variant (1).
Genome position (GRCh38, 1-based): chr11:60,302,703, A>G. VCF-style: chr11-60302703-A-G. GRCh37 (hg19) VCF-style: chr11-60070176-A-G.
Other names: c.475A>G, p.Met159Val (NM_024021.4); c.387+1646A>G (NM_001243266.2); short protein forms M159V, M178V.
Identifiers: ClinVar variation 1223746 (VCV001223746.4), dbSNP rs6591561, ClinGen allele CA6023539.